The following is an entry in ClinVar:

ClinVar aggregate classification (germline): Uncertain significance. Review status: criteria provided, multiple submitters, no conflicts (2 of 4 stars). 2 submissions from 2 submitters: Uncertain significance (2). Last evaluated 2024-06-24.

Submissions (2):

Revvity Omics, Revvity
Classification: Uncertain significance. Last evaluated: 2024-06-24. Review status: criteria provided, single submitter. Criteria: ACMG Guidelines, 2015. Collection method: clinical testing. Allele origin: germline.

Labcorp Genetics (formerly Invitae), Labcorp
Classification: Uncertain significance. Last evaluated: 2023-07-29. Review status: criteria provided, single submitter. Criteria: Invitae Variant Classification Sherloc (09022015). Collection method: clinical testing. Allele origin: germline.
Comment: Advanced modeling of protein sequence and biophysical properties (such as structural, functional, and spatial information, amino acid conservation, physicochemical variation, residue mobility, and thermodynamic stability) performed at Invitae indicates that this missense variant is expected to disrupt ATP6V1A protein function. In summary, the available evidence is currently insufficient to determine the role of this variant in disease. Therefore, it has been classified as a Variant of Uncertain Significance. This variant has not been reported in the literature in individuals affected with ATP6V1A-related conditions. This variant is not present in population databases (gnomAD no frequency). This sequence change replaces leucine, which is neutral and non-polar, with arginine, which is basic and polar, at codon 234 of the ATP6V1A protein (p.Leu234Arg).

NM_001690.4(ATP6V1A):c.701T>G (p.Leu234Arg)

Gene: ATP6V1A (ATPase H+ transporting V1 subunit A; plus strand). Cytogenetic location: 3q13.31.
Variant type: single nucleotide variant.
Coding change: c.701T>G on transcript NM_001690.4 (MANE Select); coding-DNA position 701, T replaced by G.
Protein change: p.Leu234Arg; replaces leucine 234 with arginine.
Molecular consequence: missense variant.
Genome position (GRCh38, 1-based): chr3:113,786,368, T>G. VCF-style: chr3-113786368-T-G. GRCh37 (hg19) VCF-style: chr3-113505215-T-G.
Other names: short protein forms L234R.
Identifiers: ClinVar variation 2748325 (VCV002748325.4), dbSNP rs2549720498, ClinGen allele CA354011163.